The following is an entry in ClinVar:

NM_001166108.2(PALLD):c.286G>A (p.Asp96Asn)

Gene: PALLD (palladin, cytoskeletal associated protein; plus strand). Cytogenetic location: 4q32.3.
Variant type: single nucleotide variant.
Coding change: c.286G>A on transcript NM_001166108.2 (MANE Select); coding-DNA position 286, G replaced by A.
Protein change: p.Asp96Asn; replaces aspartic acid 96 with asparagine.
Molecular consequence: missense variant.
Genome position (GRCh38, 1-based): chr4:168,511,790, G>A. VCF-style: chr4-168511790-G-A. GRCh37 (hg19) VCF-style: chr4-169432941-G-A.
Other names: c.286G>A, p.Asp96Asn (NM_016081.4); short protein forms D96N.
Identifiers: ClinVar variation 2448443 (VCV002448443.2), dbSNP rs2531430264, ClinGen allele CA358725221.

ClinVar aggregate classification (germline): Uncertain significance (1 of 4 stars; one submission).

gnomAD v4.1: 1 of 1,614,138 alleles (0.000062%); no homozygotes.

Submission:

Ambry Genetics
Classification: Uncertain significance. Last evaluated: 2022-11-04. Review status: criteria provided, single submitter. Criteria: Ambry Variant Classification Scheme 2023. Collection method: clinical testing. Allele origin: germline.
Comment: The p.D96N variant (also known as c.286G>A), located in coding exon 1 of the PALLD gene, results from a G to A substitution at nucleotide position 286. The aspartic acid at codon 96 is replaced by asparagine, an amino acid with highly similar properties. This amino acid position is conserved. In addition, this alteration is predicted to be tolerated by in silico analysis. Since supporting evidence is limited at this time, the clinical significance of this alteration remains unclear.